The following is an entry in ClinVar:

ClinVar aggregate classification (germline): Conflicting classifications of pathogenicity. Review status: criteria provided, conflicting classifications (1 of 4 stars). 3 submissions from 3 submitters: Uncertain significance (2); Benign (1). Last evaluated 2025-07-07.

Conditions:
Hereditary cancer-predisposing syndrome. Also called: Hereditary neoplastic syndrome; Neoplastic Syndromes, Hereditary; Tumor predisposition; Hereditary Cancer Syndrome. Identifiers: Orphanet 140162, MedGen C0027672, MeSH D009386, MONDO:0015356.
Fanconi anemia complementation group J. Also called: BRIP1-Related Fanconi Anemia. Identifiers: Orphanet 84, MedGen C1836860, MONDO:0012187, OMIM 609054.
Familial cancer of breast. Also called: BREAST CANCER, FAMILIAL; hereditary breast carcinoma; Hereditary breast cancer. Identifiers: Orphanet 227535, MedGen C0346153, MONDO:0016419, OMIM 114480. Disease mechanism: loss of function.

Submissions (3):

Labcorp Genetics (formerly Invitae), Labcorp
Classification: Benign for Familial cancer of breast; Fanconi anemia complementation group J. Last evaluated: 2025-07-07. Review status: criteria provided, single submitter. Criteria: Invitae Variant Classification Sherloc (09022015). Collection method: clinical testing. Allele origin: germline.

Ambry Genetics
Classification: Uncertain significance for Hereditary cancer-predisposing syndrome. Last evaluated: 2025-06-02. Review status: criteria provided, single submitter. Criteria: Ambry Variant Classification Scheme 2023. Collection method: clinical testing. Allele origin: germline.
Comment: The p.P129S variant (also known as c.385C>T), located in coding exon 4 of the BRIP1 gene, results from a C to T substitution at nucleotide position 385. The proline at codon 129 is replaced by serine, an amino acid with similar properties. This amino acid position is well conserved in available vertebrate species. In addition, this alteration is predicted to be tolerated by in silico analysis. Since supporting evidence is limited at this time, the clinical significance of this alteration remains unclear.

Breakthrough Genomics
Classification: Uncertain significance. Review status: criteria provided, single submitter. Criteria: ACMG Guidelines, 2015. Collection method: not provided. Allele origin: germline. Inheritance: Autosomal dominant inheritance. Affected: yes.

NM_032043.3(BRIP1):c.385C>T (p.Pro129Ser)

Gene: BRIP1 (BRCA1 interacting DNA helicase 1; minus strand). Cytogenetic location: 17q23.2.
Variant type: single nucleotide variant.
Coding change: c.385C>T on transcript NM_032043.3 (MANE Select); coding-DNA position 385, C replaced by T.
Protein change: p.Pro129Ser; replaces proline 129 with serine.
Molecular consequence: missense variant.
Genome position (GRCh38, 1-based): chr17:61,849,251, G>A on the plus strand (C>T on the coding strand, the complement: BRIP1 is on the minus strand). VCF-style: chr17-61849251-G-A. GRCh37 (hg19) VCF-style: chr17-59926612-G-A.
Other names: short protein forms P129S.
Identifiers: ClinVar variation 461168 (VCV000461168.12), dbSNP rs1555616229, ClinGen allele CA400484605.